The following is an entry in ClinVar:

ClinVar aggregate classification (germline): Uncertain significance. Review status: criteria provided, multiple submitters, no conflicts (2 of 4 stars). 2 submissions from 2 submitters: Uncertain significance (2). Last evaluated 2024-11-23.

Conditions:
Gastrointestinal stromal tumor. Also called: Gastrointestinal stromal tumor, somatic; Gastrointestinal stroma tumor. Identifiers: Orphanet 44890, MedGen C0238198, MeSH D046152, MONDO:0011719, OMIM 606764, HP:0100723.
Hereditary cancer-predisposing syndrome. Also called: Hereditary neoplastic syndrome; Neoplastic Syndromes, Hereditary; Hereditary Cancer Syndrome; Tumor predisposition. Identifiers: Orphanet 140162, MedGen C0027672, MeSH D009386, MONDO:0015356.

Submissions (2):

Ambry Genetics
Classification: Uncertain significance for Hereditary cancer-predisposing syndrome. Last evaluated: 2024-11-23. Review status: criteria provided, single submitter. Criteria: Ambry Variant Classification Scheme 2023. Collection method: clinical testing. Allele origin: germline.
Comment: The p.L9P variant (also known as c.26T>C), located in coding exon 1 of the PDGFRA gene, results from a T to C substitution at nucleotide position 26. The leucine at codon 9 is replaced by proline, an amino acid with similar properties. This amino acid position is conserved. In addition, this alteration is predicted to be deleterious by in silico analysis. Based on the available evidence, the clinical significance of this variant remains unclear.

Labcorp Genetics (formerly Invitae), Labcorp
Classification: Uncertain significance for Gastrointestinal stromal tumor. Last evaluated: 2019-06-10. Review status: criteria provided, single submitter. Criteria: Invitae Variant Classification Sherloc (09022015). Collection method: clinical testing. Allele origin: germline.
Comment: In summary, the available evidence is currently insufficient to determine the role of this variant in disease. Therefore, it has been classified as a Variant of Uncertain Significance. Algorithms developed to predict the effect of missense changes on protein structure and function are either unavailable or do not agree on the potential impact of this missense change (SIFT: "Deleterious"; PolyPhen-2: "Probably Damaging"; Align-GVGD: "Class C0"). This variant has not been reported in the literature in individuals with PDGFRA-related conditions. This variant is not present in population databases (ExAC no frequency). This sequence change replaces leucine with proline at codon 9 of the PDGFRA protein (p.Leu9Pro). The leucine residue is highly conserved and there is a moderate physicochemical difference between leucine and proline.

NM_006206.6(PDGFRA):c.26T>C (p.Leu9Pro)

Gene: PDGFRA (platelet derived growth factor receptor alpha; plus strand). Cytogenetic location: 4q12.
Variant type: single nucleotide variant.
Coding change: c.26T>C on transcript NM_006206.6 (MANE Select); coding-DNA position 26, T replaced by C.
Protein change: p.Leu9Pro; replaces leucine 9 with proline.
Molecular consequence: missense variant.
Genome position (GRCh38, 1-based): chr4:54,258,794, T>C. VCF-style: chr4-54258794-T-C. GRCh37 (hg19) VCF-style: chr4-55124961-T-C.
Other names: c.26T>C, p.Leu9Pro (NM_001347827.2, NM_001347829.2); c.101T>C, p.Leu34Pro (NM_001347828.2); c.65T>C, p.Leu22Pro (NM_001347830.2); short protein forms L34P, L9P, L22P.
Identifiers: ClinVar variation 951927 (VCV000951927.11), dbSNP rs1722518582, ClinGen allele CA356888084.
Genomic context (GRCh38, chr4:54,258,794, plus strand): 5'-CTGTTGACTTTTGACTTTTCTAGTTTCCCAGAGCTATGGGGACTTCCCATCCGGCGTTCC[T>C]GGTCTTAGGCTGTCTTCTCACAGGTACGGAGCCCAGTCCTCTCTGAGTTCCTTGTTTGGG-3'
Protein context (NP_006197.1, residues 1-19): MGTSHPAF[Leu9Pro]VLGCLLTGLS